The following is an entry in ClinVar:

NM_001018115.3(FANCD2):c.1906G>A (p.Ala636Thr)

Genes: FANCD2 (FA complementation group D2; plus strand), LOC107303338 (3p25 FANCD2 Alu-mediated recombination region; plus strand). Cytogenetic location: 3p25.3.
Variant type: single nucleotide variant.
Coding change: c.1906G>A on transcript NM_001018115.3 (MANE Select); coding-DNA position 1906, G replaced by A.
Protein change: p.Ala636Thr; replaces alanine 636 with threonine.
Molecular consequence: missense variant.
Genome position (GRCh38, 1-based): chr3:10,063,870, G>A. VCF-style: chr3-10063870-G-A. GRCh37 (hg19) VCF-style: chr3-10105554-G-A.
Other names: c.1906G>A, p.Ala636Thr (NM_001319984.2, NM_001374254.1, NM_033084.6); c.1795G>A, p.Ala599Thr (NM_001374253.1); short protein forms A636T, A599T.
Identifiers: ClinVar variation 4774114 (VCV004774114.1).
Genomic context (GRCh38, chr3:10,063,870, plus strand): 5'-TTGGTTCATTCCTGCAGTGAGCAGTCTCCTCAGGCCTCTGCACTTTACTATGATGAATTT[G>A]CCAACCTGATCCAACATGAAAAGCTGGATCCAAAAGCCCTGGTAAAGCCAATTGTCTTTT-3'
Protein context (NP_001018125.1, residues 626-646): QASALYYDEF[Ala636Thr]NLIQHEKLDP

ClinVar aggregate classification (germline): Uncertain significance (1 of 4 stars; one submission).

Conditions:
Fanconi anemia (FA). Also called: Fanconi's anemia. Identifiers: Orphanet 84, MedGen C0015625, MeSH D005199, MONDO:0019391.

Submission:

Labcorp Genetics (formerly Invitae), Labcorp
Classification: Uncertain significance for Fanconi anemia. Last evaluated: 2025-10-18. Review status: criteria provided, single submitter. Criteria: Invitae Variant Classification Sherloc (09022015). Collection method: clinical testing. Allele origin: germline.
Comment: This sequence change replaces alanine, which is neutral and non-polar, with threonine, which is neutral and polar, at codon 636 of the FANCD2 protein (p.Ala636Thr). This variant is not present in population databases (gnomAD no frequency). This variant has not been reported in the literature in individuals affected with FANCD2-related conditions. Invitae Evidence Modeling of protein sequence and biophysical properties (such as structural, functional, and spatial information, amino acid conservation, physicochemical variation, residue mobility, and thermodynamic stability) has been performed for this missense variant. However, the output from this modeling did not meet the statistical confidence thresholds required to predict the impact of this variant on FANCD2 protein function. In summary, the available evidence is currently insufficient to determine the role of this variant in disease. Therefore, it has been classified as a Variant of Uncertain Significance.